The following is an entry in ClinVar:

ClinVar aggregate classification (germline): Uncertain significance (1 of 4 stars; one submission).

Submission:

CeGaT Center for Human Genetics Tuebingen
Classification: Uncertain significance. Last evaluated: 2024-01-01. Review status: criteria provided, single submitter. Criteria: CeGaT Center For Human Genetics Tuebingen Variant Classification Criteria Version 2. Collection method: clinical testing. Allele origin: germline. Affected: yes. Observed: 2 variant alleles.
Comment: CAMK2B: PM2, BP4

NM_001220.5(CAMK2B):c.1421C>T (p.Pro474Leu)

Gene: CAMK2B (calcium/calmodulin dependent protein kinase II beta; minus strand). Cytogenetic location: 7p13.
Variant type: single nucleotide variant.
Coding change: c.1421C>T on transcript NM_001220.5 (MANE Select); coding-DNA position 1421, C replaced by T.
Protein change: p.Pro474Leu; replaces proline 474 with leucine.
Molecular consequence: missense variant. On other transcripts: intron variant (8).
Genome position (GRCh38, 1-based): chr7:44,228,843, G>A on the plus strand (C>T on the coding strand, the complement: CAMK2B is on the minus strand). VCF-style: chr7-44228843-G-A. GRCh37 (hg19) VCF-style: chr7-44268442-G-A.
Other names: c.947-7942C>T (NM_172084.3); c.1150+2163C>T (NM_172080.3); c.1036+2163C>T (NM_172083.3); c.1108+2163C>T (NM_172081.3); c.1153+2163C>T (NM_172079.3, NM_172082.3); c.1225+2163C>T (NM_001293170.2, NM_172078.3); short protein forms P474L.
Identifiers: ClinVar variation 3026851 (VCV003026851.22), dbSNP rs1459456612, ClinGen allele CA367373033.
Genomic context (GRCh38, chr7:44,228,843, plus strand): 5'-GGCCACTACTTACACGGGGAGGACAGGGGGCCTAGGAGAGCCGGAGACAGGCAGGGCGGG[G>A]GCCCCGCTGAGAGGGGGCCCTCGGCTTCTGGGGTTCCTGAACCCCTTCTCACAGAGTTCA-3'
Protein context (NP_001211.3, residues 464-484): PEAEGPLSAG[Pro474Leu]PPCLSPALLG